The following is an entry in ClinVar:

ClinVar aggregate classification (germline): Pathogenic (1 of 4 stars; one submission).

Conditions:
Primary ciliary dyskinesia. Also called: Ciliary dyskinesia. Identifiers: Orphanet 244, MedGen C0008780, MONDO:0016575, HP:0012265.

Submission:

Labcorp Genetics (formerly Invitae), Labcorp
Classification: Pathogenic for Primary ciliary dyskinesia. Last evaluated: 2022-07-14. Review status: criteria provided, single submitter. Criteria: Invitae Variant Classification Sherloc (09022015). Collection method: clinical testing. Allele origin: germline.
Comment: This variant disrupts a region of the RPGR (ORF15) protein in which other variant(s) (p.Leu1130Lysfs*13) have been determined to be pathogenic (PMID: 22264887; Invitae). This suggests that this is a clinically significant region of the protein, and that variants that disrupt it are likely to be disease-causing. For these reasons, this variant has been classified as Pathogenic. This variant has not been reported in the literature in individuals affected with RPGR (ORF15)-related conditions. This variant is not present in population databases (gnomAD no frequency). This sequence change creates a premature translational stop signal (p.Glu778Glyfs*37) in the RPGR (ORF15) gene. While this is not anticipated to result in nonsense mediated decay, it is expected to disrupt the last 375 amino acid(s) of the RPGR (ORF15) protein.

Literature cited by the submitters: PubMed 22264887.

NM_001034853.2(RPGR):c.2333del (p.Glu778fs)

Gene: RPGR (retinitis pigmentosa GTPase regulator; minus strand). Cytogenetic location: Xp11.4.
Variant type: Deletion.
Coding change: c.2333del on transcript NM_001034853.2 (MANE Select); coding-DNA position 2333, one base deleted (A; older notation c.2333delA).
Protein change: p.Glu778fs; shifts the reading frame from glutamic acid 778.
Molecular consequence: frameshift variant. On other transcripts: intron variant (8).
Genome position (GRCh38, 1-based): chrX:38,286,666, T deleted on the plus strand (A on the coding strand, the reverse complement: RPGR is on the minus strand). VCF-style (leftmost placement, unchanged base first): chrX-38286665-CT-C. GRCh37 (hg19) VCF-style: chrX-38145918-CT-C.
Other names: c.1569+4293del (NM_001367249.1, NM_001367250.1); c.1902+428del (NM_001367245.1); c.1386+4293del (NM_001367251.1); c.1719+428del (NM_001367246.1); c.1572+4293del (NM_001367247.1); c.1905+428del (NM_000328.3); c.1602+4293del (NM_001367248.1); short protein forms E778fs.
Identifiers: ClinVar variation 2016655 (VCV002016655.4), dbSNP rs2519791904, ClinGen allele CA2580100924.